The following is an entry in ClinVar:

NM_003718.5(CDK13):c.2782C>T (p.Arg928Ter)

Gene: CDK13 (cyclin dependent kinase 13; plus strand). Cytogenetic location: 7p14.1.
Variant type: single nucleotide variant.
Coding change: c.2782C>T on transcript NM_003718.5 (MANE Select); coding-DNA position 2782, C replaced by T.
Protein change: p.Arg928Ter; replaces arginine 928 with a stop codon.
Molecular consequence: nonsense.
Genome position (GRCh38, 1-based): chr7:40,078,006, C>T. VCF-style: chr7-40078006-C-T. GRCh37 (hg19) VCF-style: chr7-40117605-C-T.
Other names: c.2782C>T, p.Arg928Ter (NM_031267.4); short protein forms R928*.
Identifiers: ClinVar variation 2870817 (VCV002870817.3), dbSNP rs2484029614, ClinGen allele CA367288991.
Genomic context (GRCh38, chr7:40,078,006, plus strand): 5'-AGTTGTATGTATTCTTTATGTAGTTGATAGTGATGTACTTCCTTTTGTGTGTTGCTTAGC[C>T]GAATATGTGGGAGTCCATGTCCTGCAGTGTGGCCTGATGTAATCAAACTACCATATTTCA-3'

ClinVar aggregate classification (germline): Pathogenic (1 of 4 stars; one submission).

Submission:

Labcorp Genetics (formerly Invitae), Labcorp
Classification: Pathogenic. Last evaluated: 2023-06-09. Review status: criteria provided, single submitter. Criteria: Invitae Variant Classification Sherloc (09022015). Collection method: clinical testing. Allele origin: germline.
Comment: For these reasons, this variant has been classified as Pathogenic. This variant has not been reported in the literature in individuals affected with CDK13-related conditions. This variant is not present in population databases (gnomAD no frequency). This sequence change creates a premature translational stop signal (p.Arg928*) in the CDK13 gene. It is expected to result in an absent or disrupted protein product. Loss-of-function variants in CDK13 are known to be pathogenic (PMID: 27479907, 29021403, 29393965).

Literature cited by the submitters: PubMed 27479907; PubMed 29021403; PubMed 29393965.